The following is an entry in ClinVar:

NM_019892.6(INPP5E):c.1732G>A (p.Gly578Arg)

Gene: INPP5E (inositol polyphosphate-5-phosphatase E; minus strand). Cytogenetic location: 9q34.3.
Variant type: single nucleotide variant.
Coding change: c.1732G>A on transcript NM_019892.6 (MANE Select); coding-DNA position 1732, G replaced by A.
Protein change: p.Gly578Arg; replaces glycine 578 with arginine.
Molecular consequence: missense variant.
Genome position (GRCh38, 1-based): chr9:136,430,347, C>T on the plus strand (G>A on the coding strand, the complement: INPP5E is on the minus strand). VCF-style: chr9-136430347-C-T. GRCh37 (hg19) VCF-style: chr9-139324799-C-T.
Other names: c.1729G>A, p.Gly577Arg (NM_001318502.2); c.1732G>A (NM_019892.5); short protein forms G578R, G577R.
Identifiers: ClinVar variation 211184 (VCV000211184.17), dbSNP rs559636009, ClinGen allele CA208042.

ClinVar aggregate classification (germline): Uncertain significance. Review status: criteria provided, multiple submitters, no conflicts (2 of 4 stars). 5 submissions from 5 submitters: Uncertain significance (5). Last evaluated 2026-08-18.

Conditions:
INPP5E-related disorder. Also called: INPP5E-related condition.
Inborn genetic diseases. Identifiers: MedGen C0950123, MeSH D030342.
Joubert syndrome. Also called: Familial aplasia of the vermis; JOUBERT-BOLTSHAUSER SYNDROME. Identifiers: Orphanet 475, MedGen C5979921, MONDO:0018772.

Allele frequency attached by ClinVar (database versions not stated): gnomAD 0.00002 and 0.00003; gnomAD exomes 0.00002 and 0.00006; TOPMed 0.00002.
gnomAD v4.1: 25 of 1,554,234 alleles (0.0016%); highest among the groups gnomAD compares: Admixed American, 0.027%; no homozygotes.

Submissions (5):

PreventionGenetics, part of Exact Sciences
Classification: Uncertain significance for INPP5E-related condition. Last evaluated: 2026-08-18. Review status: criteria provided, single submitter. Criteria: ACMG Guidelines, 2015. Collection method: clinical testing. Allele origin: germline.
Comment: The INPP5E c.1732G>A variant is predicted to result in the amino acid substitution p.Gly578Arg. To our knowledge, this variant has not been reported in the literature. This variant is reported in 0.035% of alleles in individuals of Latino descent in gnomAD. At this time, the clinical significance of this variant is uncertain due to the absence of conclusive functional and genetic evidence.

Ambry Genetics
Classification: Uncertain significance for Inborn genetic diseases. Last evaluated: 2025-04-11. Review status: criteria provided, single submitter. Criteria: Ambry Variant Classification Scheme 2023. Collection method: clinical testing. Allele origin: germline.

Labcorp Genetics (formerly Invitae), Labcorp
Classification: Uncertain significance for Joubert syndrome. Last evaluated: 2023-10-13. Review status: criteria provided, single submitter. Criteria: Invitae Variant Classification Sherloc (09022015). Collection method: clinical testing. Allele origin: germline.
Comment: This sequence change replaces glycine, which is neutral and non-polar, with arginine, which is basic and polar, at codon 578 of the INPP5E protein (p.Gly578Arg). This variant is present in population databases (rs559636009, gnomAD 0.04%). This variant has not been reported in the literature in individuals affected with INPP5E-related conditions. ClinVar contains an entry for this variant (Variation ID: 211184). Advanced modeling of protein sequence and biophysical properties (such as structural, functional, and spatial information, amino acid conservation, physicochemical variation, residue mobility, and thermodynamic stability) has been performed at Invitae for this missense variant, however the output from this modeling did not meet the statistical confidence thresholds required to predict the impact of this variant on INPP5E protein function. In summary, the available evidence is currently insufficient to determine the role of this variant in disease. Therefore, it has been classified as a Variant of Uncertain Significance.

GeneDx
Classification: Uncertain significance. Last evaluated: 2023-04-17. Review status: criteria provided, single submitter. Criteria: GeneDx Variant Classification Process June 2021. Collection method: clinical testing. Allele origin: germline. Affected: yes.
Comment: In silico analysis supports that this missense variant does not alter protein structure/function; Has not been previously published as pathogenic or benign to our knowledge; This variant is associated with the following publications: (PMID: 23386033)

Genetic Services Laboratory, University of Chicago
Classification: Uncertain significance. Last evaluated: 2014-05-30. Review status: criteria provided, single submitter. Criteria: ACMG Guidelines, 2015. Collection method: clinical testing. Allele origin: germline.